The following is an entry in ClinVar:

NM_004168.4(SDHA):c.1995A>G (p.Ter665Trp)

Gene: SDHA (succinate dehydrogenase complex flavoprotein subunit A; plus strand). Cytogenetic location: 5p15.33.
Variant type: single nucleotide variant.
Coding change: c.1995A>G on transcript NM_004168.4 (MANE Select); coding-DNA position 1995, A replaced by G.
Protein change: p.Ter665Trp.
Molecular consequence: stop lost.
Genome position (GRCh38, 1-based): chr5:256,420, A>G. VCF-style: chr5-256420-A-G. GRCh37 (hg19) VCF-style: chr5-256535-A-G.
Other names: c.1851A>G, p.Ter617Trp (NM_001294332.2); c.1752A>G, p.Ter584Trp (NM_001330758.2).
Identifiers: ClinVar variation 2682079 (VCV002682079.1), dbSNP rs2477489785, ClinGen allele CA359003245.

ClinVar aggregate classification (germline): Uncertain significance (1 of 4 stars; one submission).

Submission:

Quest Diagnostics Nichols Institute San Juan Capistrano
Classification: Uncertain significance. Last evaluated: 2023-06-08. Review status: criteria provided, single submitter. Criteria: Quest Diagnostics criteria. Collection method: clinical testing. Allele origin: unknown.
Comment: This variant disrupts the translation stop codon of the SDHA mRNA and is predicted to cause abnormal SDHA protein elongation. To the best of our knowledge, this variant has not been reported in the published literature. It also has not been reported in large, multi-ethnic general populations (Genome Aggregation Database). Based on the available information, we are unable to determine the clinical significance of this variant.